The following is an entry in ClinVar:

ClinVar aggregate classification (germline): Benign/Likely benign. Review status: criteria provided, multiple submitters, no conflicts (2 of 4 stars). 3 submissions from 3 submitters: Benign (1); Likely benign (2). Last evaluated 2025-09-20.

Conditions:
Hereditary cancer-predisposing syndrome. Also called: Neoplastic Syndromes, Hereditary; Hereditary Cancer Syndrome; Hereditary neoplastic syndrome; Tumor predisposition. Identifiers: Orphanet 140162, MedGen C0027672, MeSH D009386, MONDO:0015356.
Hereditary leiomyomatosis and renal cell cancer. Also called: Reed syndrome; Multiple cutaneous and uterine leiomyomatosis; Cutaneous leiomyomata with uterine leiomyomata; Leiomyoma, hereditary multiple, of skin; Multiple cutaneous and uterine leiomyomata; Multiple cutaneous leiomyomas. Identifiers: Orphanet 523, MedGen C1708350, MONDO:0007888, OMIM 150800, HP:0007437. Disease mechanism: loss of function.

Allele frequency attached by ClinVar (database versions not stated): ExAC below 0.00001; gnomAD 0.00001; TOPMed 0.00001.
gnomAD v4.1: 9 of 1,547,708 alleles (0.00058%); highest among the groups gnomAD compares: Non-Finnish European, 0.0007%; no homozygotes.

Submissions (3):

Labcorp Genetics (formerly Invitae), Labcorp
Classification: Likely benign. Last evaluated: 2025-09-20. Review status: criteria provided, single submitter. Criteria: Invitae Variant Classification Sherloc (09022015). Collection method: clinical testing. Allele origin: germline.

Myriad Genetics, Inc.
Classification: Benign for Hereditary leiomyomatosis and renal cell cancer. Last evaluated: 2024-10-17. Review status: criteria provided, single submitter. Criteria: Myriad Autosomal Dominant, Autosomal Recessive and X-Linked Classification Criteria (2023). Collection method: clinical testing. Allele origin: unknown.
Comment: This variant is considered benign. This variant is a silent/synonymous amino acid change and it is not expected to impact splicing.

Ambry Genetics
Classification: Likely benign for Hereditary cancer-predisposing syndrome. Last evaluated: 2020-11-26. Review status: criteria provided, single submitter. Criteria: Ambry Variant Classification Scheme 2023. Collection method: clinical testing. Allele origin: germline.

NM_000143.4(FH):c.96C>A (p.Ala32=)

Gene: FH (fumarate hydratase; minus strand). Cytogenetic location: 1q43.
Variant type: single nucleotide variant.
Coding change: c.96C>A on transcript NM_000143.4 (MANE Select); coding-DNA position 96, C replaced by A.
Protein change: p.Ala32=; no amino-acid change (alanine 32 retained).
Molecular consequence: synonymous variant.
Genome position (GRCh38, 1-based): chr1:241,519,627, G>T on the plus strand (C>A on the coding strand, the complement: FH is on the minus strand). VCF-style: chr1-241519627-G-T. GRCh37 (hg19) VCF-style: chr1-241682927-G-T.
Identifiers: ClinVar variation 806413 (VCV000806413.21), dbSNP rs750087000, ClinGen allele CA1478775.